The following is an entry in ClinVar:

ClinVar aggregate classification (germline): Likely benign. Review status: criteria provided, multiple submitters, no conflicts (2 of 4 stars). 2 submissions from 2 submitters: Likely benign (2). Last evaluated 2025-10-20.

Conditions:
Tuberous sclerosis 2 (TSC2). Identifiers: Orphanet 805, MedGen C1860707, MONDO:0013199, OMIM 613254.

gnomAD v4.1: 6 of 1,614,014 alleles (0.00037%); highest among the groups gnomAD compares: Non-Finnish European, 0.00051%; no homozygotes.

Submissions (2):

Labcorp Genetics (formerly Invitae), Labcorp
Classification: Likely benign for Tuberous sclerosis 2. Last evaluated: 2025-10-20. Review status: criteria provided, single submitter. Criteria: Invitae Variant Classification Sherloc (09022015). Collection method: clinical testing. Allele origin: germline.

Myriad Genetics, Inc.
Classification: Likely benign for Tuberous sclerosis 2. Last evaluated: 2025-05-08. Review status: criteria provided, single submitter. Criteria: Myriad Autosomal Dominant, Autosomal Recessive and X-Linked Classification Criteria (2023). Collection method: clinical testing. Allele origin: unknown.
Comment: This variant is considered likely benign. This variant is intronic and is not expected to impact mRNA splicing.

NM_000548.5(TSC2):c.648+9C>G

Gene: TSC2 (TSC complex subunit 2; plus strand). Cytogenetic location: 16p13.3.
Variant type: single nucleotide variant.
Coding change: c.648+9C>G on transcript NM_000548.5 (MANE Select); 9 bases into the intron after coding-DNA position 648, C replaced by G.
Molecular consequence: intron variant.
Genome position (GRCh38, 1-based): chr16:2,056,253, C>G. VCF-style: chr16-2056253-C-G. GRCh37 (hg19) VCF-style: chr16-2106254-C-G.
Other names: c.648+9C>G (NM_001077183.3, NM_021055.3, NM_001370405.1 and 3 more transcripts); c.537+9C>G (NM_001318827.2); c.48+9C>G (NM_001318831.2); c.501+9C>G (NM_001318829.2); c.681+9C>G (NM_001318832.2).
Identifiers: ClinVar variation 727760 (VCV000727760.11), dbSNP rs756588732, ClinGen allele CA055924.
Genomic context (GRCh38, chr16:2,056,253, plus strand): 5'-CAGGATGATCTGTCTGCTGTGCGTCCGGACCGCGTCCTCTGTGGACATAGAGGTCAGTGC[C>G]TCCCCTCCCCAGGGCCGGCCCATTTCACCCTGGTTTCTGGGAGGCTGGGGCTTGGGGGTT-3'